The following is an entry in ClinVar:

NM_002292.4(LAMB2):c.4919A>G (p.Tyr1640Cys)

Gene: LAMB2 (laminin subunit beta 2; minus strand). Cytogenetic location: 3p21.31.
Variant type: single nucleotide variant.
Coding change: c.4919A>G on transcript NM_002292.4 (MANE Select); coding-DNA position 4919, A replaced by G.
Protein change: p.Tyr1640Cys; replaces tyrosine 1640 with cysteine.
Molecular consequence: missense variant.
Genome position (GRCh38, 1-based): chr3:49,121,948, T>C on the plus strand (A>G on the coding strand, the complement: LAMB2 is on the minus strand). VCF-style: chr3-49121948-T-C. GRCh37 (hg19) VCF-style: chr3-49159381-T-C.
Other names: short protein forms Y1640C.
Identifiers: ClinVar variation 1015803 (VCV001015803.5), dbSNP rs2045287048, ClinGen allele CA352686409.

ClinVar aggregate classification (germline): Uncertain significance (1 of 4 stars; one submission).

Conditions:
Pierson syndrome. Also called: MICROCORIA-CONGENITAL NEPHROTIC SYNDROME. Identifiers: Orphanet 2670, MedGen C1836876, MONDO:0012184, OMIM 609049.
LAMB2-related infantile-onset nephrotic syndrome. Also called: NEPHROTIC SYNDROME, TYPE 5, WITHOUT OCULAR ABNORMALITIES; NEPHROTIC SYNDROME, TYPE 5, WITH OCULAR ABNORMALITIES; Nephrotic Syndrome, type 5. Identifiers: Orphanet 306507, MedGen C3280113, MONDO:0013621, OMIM 614199.

Submission:

Labcorp Genetics (formerly Invitae), Labcorp
Classification: Uncertain significance for LAMB2-related infantile-onset nephrotic syndrome; Pierson syndrome. Last evaluated: 2020-03-25. Review status: criteria provided, single submitter. Criteria: Invitae Variant Classification Sherloc (09022015). Collection method: clinical testing. Allele origin: germline.
Comment: This sequence change replaces tyrosine with cysteine at codon 1640 of the LAMB2 protein (p.Tyr1640Cys). The tyrosine residue is weakly conserved and there is a large physicochemical difference between tyrosine and cysteine. This variant is not present in population databases (ExAC no frequency). This variant has not been reported in the literature in individuals with LAMB2-related conditions. Algorithms developed to predict the effect of missense changes on protein structure and function (SIFT, PolyPhen-2, Align-GVGD) all suggest that this variant is likely to be tolerated, but these predictions have not been confirmed by published functional studies and their clinical significance is uncertain. In summary, the available evidence is currently insufficient to determine the role of this variant in disease. Therefore, it has been classified as a Variant of Uncertain Significance.